The following is an entry in ClinVar:

ClinVar aggregate classification (germline): Pathogenic/Likely pathogenic. Review status: criteria provided, multiple submitters, no conflicts (2 of 4 stars). 6 submissions from 6 submitters: Pathogenic (3); Likely pathogenic (1). 2 of the submissions do not count toward it. Last evaluated 2025-03-17.

Conditions:
Hereditary cancer-predisposing syndrome. Also called: Hereditary Cancer Syndrome; Neoplastic Syndromes, Hereditary; Tumor predisposition; Hereditary neoplastic syndrome. Identifiers: Orphanet 140162, MedGen C0027672, MeSH D009386, MONDO:0015356.
Fanconi anemia complementation group O. Also called: RAD51C-Related Fanconi Anemia. Identifiers: Orphanet 84, MedGen C3150653, MONDO:0013248, OMIM 613390.
Ovarian neoplasm. Also called: Neoplasm of ovary; Ovarian Neoplasms; Ovarian tumor. Identifiers: MedGen C0919267, MeSH D010051, MONDO:0021068, HP:0100615.
Breast-ovarian cancer, familial, susceptibility to, 3. Also called: RAD51C-Related Breast/Ovarian Cancer. Identifiers: Orphanet 145, MedGen C3150659, MONDO:0013253, OMIM 613399.

Allele frequency attached by ClinVar (database versions not stated): gnomAD exomes below 0.00001 and 0.00001; ExAC 0.00002; gnomAD 0.00002.
gnomAD v4.1: 6 of 1,611,548 alleles (0.00037%); highest among the groups gnomAD compares: African/African-American, 0.0013%; no homozygotes.

Submissions (6):

Labcorp Genetics (formerly Invitae), Labcorp
Classification: Pathogenic for Fanconi anemia complementation group O. Last evaluated: 2025-03-17. Review status: criteria provided, single submitter. Criteria: Invitae Variant Classification Sherloc (09022015). Collection method: clinical testing. Allele origin: germline.
Comment: This sequence change affects a donor splice site in intron 5 of the RAD51C gene. It is expected to disrupt RNA splicing. Variants that disrupt the donor or acceptor splice site typically lead to a loss of protein function (PMID: 16199547), and loss-of-function variants in RAD51C are known to be pathogenic (PMID: 20400964, 21990120, 24800917, 29278735). This variant is present in population databases (rs760235677, gnomAD 0.009%). Disruption of this splice site has been observed in individual(s) with breast and/or ovarian cancer (PMID: 21616938, 25470109, 28802053, 30927251). ClinVar contains an entry for this variant (Variation ID: 229854). Studies have shown that disruption of this splice site is associated with altered splicing resulting in multiple RNA products (PMID: 21616938). For these reasons, this variant has been classified as Pathogenic.

Ambry Genetics
Classification: Pathogenic for Hereditary cancer-predisposing syndrome. Last evaluated: 2025-02-05. Review status: criteria provided, single submitter. Criteria: Ambry Variant Classification Scheme 2023. Collection method: clinical testing. Allele origin: germline.
Comment: The c.837+1G>A intronic pathogenic mutation results from a G to A substitution one nucleotide after coding exon 5 of the RAD51C gene. This mutation has been associated with loss of heterozygosity in multiple tumors and aberrant splicing based on cDNA studies (Pelttari LM, Hum. Mol. Genet. 2011 Aug; 20(16):3278-88) and is recurrent in Finnish breast/ovarian cancer families, with haplotype analysis supporting a founder effect in this population (Nurmi A et al. Int J Cancer, 2019 11;145:2692-2700; Pelttari LM et al. Clin Genet, 2018 03;93:595-602). This nucleotide position is highly conserved in available vertebrate species. In silico splice site analysis predicts that this alteration will weaken the native splice donor site; however, direct evidence is insufficient at this time (Ambry internal data). Alterations that disrupt the canonical splice site are expected to cause aberrant splicing, resulting in an abnormal protein or a transcript that is subject to nonsense-mediated mRNA decay. As such, this alteration is classified as pathogenic.

Myriad Genetics, Inc.
Classification: Likely pathogenic for Breast-ovarian cancer, familial, susceptibility to, 3. Last evaluated: 2024-01-03. Review status: criteria provided, single submitter. Criteria: Myriad Autosomal Dominant, Autosomal Recessive and X-Linked Classification Criteria (2023). Collection method: clinical testing. Allele origin: unknown.
Comment: This variant is considered likely pathogenic. This variant occurs within a consensus splice junction and is predicted to result in abnormal mRNA splicing of either an out-of-frame exon or an in-frame exon necessary for protein stability and/or normal function.

Quest Diagnostics Nichols Institute San Juan Capistrano
Classification: Pathogenic. Last evaluated: 2019-05-30. Review status: criteria provided, single submitter. Criteria: Quest Diagnostics criteria. Collection method: clinical testing. Allele origin: germline.
Comment: The variant disrupts a canonical splice site, and is therefore predicted to result in the loss of a functional protein. Found in at least one symptomatic patient, and found in general population data that is consistent with pathogenicity.

Leiden Open Variation Database
Classification: Pathogenic for Ovarian cancer. Last evaluated: 2014-11-02. Review status: no assertion criteria provided. Collection method: curation. Allele origin: germline. Affected: yes. Not counted in ClinVar's aggregate classification.
Comment: Curator: Arleen D. Auerbach. Submitter to LOVD: Johan den Dunnen.

OMIM
Classification: risk factor for BREAST-OVARIAN CANCER, FAMILIAL, SUSCEPTIBILITY TO, 3. Last evaluated: 2011-08-15. Review status: no assertion criteria provided. Collection method: literature only. Allele origin: germline. Not counted in ClinVar's aggregate classification.

Literature cited by the submitters: PubMed 16199547 (cited by Labcorp Genetics (formerly Invitae), Labcorp); PubMed 20400964 (cited by Labcorp Genetics (formerly Invitae), Labcorp); PubMed 21990120 (cited by Labcorp Genetics (formerly Invitae), Labcorp); PubMed 24800917 (cited by Labcorp Genetics (formerly Invitae), Labcorp); PubMed 29278735 (cited by Labcorp Genetics (formerly Invitae), Labcorp); PubMed 21616938 (cited by 5 submitters); PubMed 25470109 (cited by Labcorp Genetics (formerly Invitae), Labcorp); PubMed 28802053 (cited by 3 submitters); PubMed 30927251 (cited by Labcorp Genetics (formerly Invitae), Labcorp and Ambry Genetics).

NM_058216.3(RAD51C):c.837+1G>A

Gene: RAD51C (RAD51 paralog C; plus strand). Cytogenetic location: 17q22.
Variant type: single nucleotide variant.
Coding change: c.837+1G>A on transcript NM_058216.3 (MANE Select); the canonical splice donor site of the intron after coding-DNA position 837, G replaced by A.
Molecular consequence: splice donor variant.
Genome position (GRCh38, 1-based): chr17:58,709,991, G>A. VCF-style: chr17-58709991-G-A. GRCh37 (hg19) VCF-style: chr17-56787352-G-A.
Other names: IVS5DS, G-A, +1.
Identifiers: ClinVar variation 229854 (VCV000229854.20), dbSNP rs760235677, ClinGen allele CA8677333.